The following is an entry in ClinVar:

ClinVar aggregate classification (germline): Likely pathogenic. Review status: reviewed by expert panel (3 of 4 stars). 9 submissions from 9 submitters: Likely pathogenic (1). 8 of the submissions do not count toward it. Last evaluated 2026-02-18.

Conditions:
Cardiovascular phenotype. Identifiers: MedGen CN230736.
Glycogen storage disease, type II (IOPD). Also called: Pompe Disease; CARDIOMEGALIA GLYCOGENICA DIFFUSA; POMPE DISEASE, INFANTILE-ONSET; GLYCOGEN STORAGE DISEASE II, INFANTILE-ONSET; ACID ALPHA-GLUCOSIDASE DEFICIENCY, INFANTILE-ONSET; GAA DEFICIENCY, INFANTILE-ONSET. Identifiers: Orphanet 365, MedGen C0017921, MONDO:0009290, OMIM 232300.

Allele frequency attached by ClinVar (database versions not stated): gnomAD exomes below 0.00001 and 0.00002; gnomAD 0.00002; TOPMed 0.00002.
gnomAD v4.1: 28 of 1,612,680 alleles (0.0017%); highest among the groups gnomAD compares: Non-Finnish European, 0.0023%; no homozygotes.

Submissions (9):

ClinGen Lysosomal Storage Disorder Variant Curation Expert Panel
Classification: Likely pathogenic for Glycogen storage disease, type II. Last evaluated: 2026-02-18. Review status: reviewed by expert panel. Criteria: clingen_lsd_acmg_specifications_v2-1. Collection method: curation. Allele origin: germline. Inheritance: Autosomal recessive inheritance.
Comment: The NM_000152.5:c.1831G>A variant in GAA is a missense variant predicted to cause substitution of glycine by serine at amino acid 611 (p.Gly611Ser). This variant has been detected in at least 2 individuals with Pompe disease who were compound heterozygous for the variant and a variant in GAA that has been classified as pathogenic for Pompe disease by the LD VCEP, including c.-32-13T>G (confirmed in trans by parental testing, Clinical diagnostic laboratory, PMID: 34020684), and c.1A>G (p.Met1?) (phase unconfirmed, PMID: 33250842; 0.5 points). 1.5 points (PM3). At least one of these individuals had documented GAA deficiency with activity in the affected range in lymphocytes and dried blood spot (PMID: 33073003, 34020684) (PP4_Moderate). Another patient, identified by newborn screening, was reported to be compound heterozygous for the variant and c.1637-3_1637-4delinsG, phase unknown (PMID: 33073003). The infant was reported to be asymptomatic, therefore this data was not included. The highest population minor allele frequency in gnomAD v4.1.0. is 0.00002288 (27/1179892 alleles) in the European non-Finnish population, which is lower than the ClinGen LD VCEP’s threshold for PM2_Supporting (<0.001), meeting this criterion (PM2_Supporting). The computational predictor REVEL gives a score of 0.767 which is above the threshold of 0.7, evidence that correlates with impact to GAA function (PP3). Another missense variant [c.1832G>A, p.Gly611Asp) (ClinVar Variation ID: : 371226) in the same codon has been classified as likely pathogenic for Pompe disease by the ClinGen LSD VCEP (PM5_Supporting). There is a ClinVar entry for this variant (Variation ID: 935199, 1 star review status) with 1 submitter classifying the variant as likely pathogenic and one as a VUS. In summary, this variant meets the criteria to be classified as likely pathogenic for Pompe disease based. GAA-specific ACMG/AMP criteria applied, as specified by the ClinGen Lysosomal Storage Diseases Variant Curation Expert Panel (Specifications Version 2.0): PM3, PP4_Moderate, PP3, PM2_Supporting, PM5_Supporting. (Classification approved by the ClinGen Lysosomal Storage Diseases Variant Curation Expert Panel on February 18, 2026)

Genomenon, Inc
Classification: Likely pathogenic for Glycogen storage disease, type II. Last evaluated: 2026-07-01. Review status: criteria provided, single submitter. Criteria: Genomenon Sequence Variant Interpretation Standards - Updated. Collection method: curation. Allele origin: germline. Affected: yes. Not counted in ClinVar's aggregate classification.
Comment: GAA p.Gly611Ser (c.1831G>A) is a missense variant that changes the amino acid at codon 611 from Glycine to Serine. This variant has been observed in at least one proband with a GAA-related disorder in the compound heterozygous and/or homozygous state (PMID:34020684;33073003). It is absent or not present at a significant frequency in gnomAD. In silico models predict that this variant is possibly or probably damaging. In conclusion, we classify GAA p.Gly611Ser (c.1831G>A) as a likely pathogenic variant.

Ambry Genetics
Classification: Uncertain significance for Cardiovascular phenotype. Last evaluated: 2026-05-05. Review status: criteria provided, single submitter. Criteria: Ambry Variant Classification Scheme 2023. Collection method: clinical testing. Allele origin: germline. Not counted in ClinVar's aggregate classification.
Comment: The p.G611S variant (also known as c.1831G>A), located in coding exon 12 of the GAA gene, results from a G to A substitution at nucleotide position 1831. The glycine at codon 611 is replaced by serine, an amino acid with similar properties. This variant has been identified in conjunction with other GAA variant(s) in individual(s) with features consistent with Glycogen storage disease II (Burton BK et al. Int J Neonatal Screen, 2020 Mar;6:4; Chakravorty S et al. Front Neurol, 2020 Nov;11:559327; Hern&aacute;ndez-Ar&eacute;valo P et al. Orphanet J Rare Dis, 2021 May;16:233). This amino acid position is well conserved in available vertebrate species. In addition, the in silico prediction for this alteration is inconclusive. Based on the available evidence, the clinical significance of this variant remains unclear.

Labcorp Genetics (formerly Invitae), Labcorp
Classification: Likely pathogenic for Glycogen storage disease, type II. Last evaluated: 2026-01-10. Review status: criteria provided, single submitter. Criteria: Invitae Variant Classification Sherloc (09022015). Collection method: clinical testing. Allele origin: germline. Not counted in ClinVar's aggregate classification.
Comment: This sequence change replaces glycine, which is neutral and non-polar, with serine, which is neutral and polar, at codon 611 of the GAA protein (p.Gly611Ser). This variant is present in population databases (no rsID available, gnomAD 0.003%). This missense change has been observed in individual(s) with Pompe disease (PMID: 33250842). ClinVar contains an entry for this variant (Variation ID: 935199). Invitae Evidence Modeling of protein sequence and biophysical properties (such as structural, functional, and spatial information, amino acid conservation, physicochemical variation, residue mobility, and thermodynamic stability) indicates that this missense variant is expected to disrupt GAA protein function with a positive predictive value of 95%. This variant disrupts the p.Gly611 amino acid residue in GAA. Other variant(s) that disrupt this residue have been determined to be pathogenic (PMID: 22252923, 24269976, 25681614; internal data). This suggests that this residue is clinically significant, and that variants that disrupt this residue are likely to be disease-causing. In summary, the currently available evidence indicates that the variant is pathogenic, but additional data are needed to prove that conclusively. Therefore, this variant has been classified as Likely Pathogenic.

3billion
Classification: Likely pathogenic for Glycogen storage disease, type II. Last evaluated: 2025-07-30. Review status: criteria provided, single submitter. Criteria: ACMG Guidelines, 2015. Collection method: clinical testing. Allele origin: germline. Affected: yes. Not counted in ClinVar's aggregate classification.
Comment: The variant is observed at an extremely low frequency in the gnomAD v4.1.0 dataset (total allele frequency: 0.002%). Predicted Consequence/Location: Missense variant In silico tool predictions suggest damaging effect of the variant on gene or gene product [REVEL: 0.77 (>=0.6, sensitivity 0.68 and specificity 0.92); 3Cnet: 0.99 (> 0.75, sensitivity 0.96 and precision 0.92)]. The same nucleotide change resulting in the same amino acid change has been previously reported as pathogenic/likely pathogenic with strong evidence (ClinVar ID: VCV000935199 /PMID: 33250842). A different missense change at the same codon (p.Gly611Asp) has been reported as pathogenic/likely pathogenic with strong evidence (ClinVar ID: VCV000371226). Therefore, this variant is classified as Likely pathogenic according to the recommendation of ACMG/AMP guideline.

Clinical Genomics Laboratory, Washington University in St. Louis
Classification: Likely pathogenic for Glycogen storage disease, type II. Last evaluated: 2025-06-20. Review status: criteria provided, single submitter. Criteria: ACMG Guidelines, 2015. Collection method: clinical testing. Allele origin: germline. Affected: yes. Not counted in ClinVar's aggregate classification.
Comment: The GAA c.1831G>A (p.Gly611Ser) variant has been reported in two individuals affected with Pompe disease, who were compound heterozygous for the variant—one with a pathogenic variant and the other with a variant of uncertain significance (Burton BK et al., PMID: 33073003; Hernández-Arévalo P et al., PMID: 34020684). This variant has been reported in the ClinVar database as a germline likely pathogenic variant by four submitters, including an expert group, and as a germline variant of uncertain significance by two submitters. This variant is observed in only 28/1,612,680 alleles in the general population (gnomAD v4.1.0), indicating that it is not a common variant. Computational predictors indicate that the variant is damaging, providing evidence that correlates with an impact on GAA function. Another variant in the same codon, c.1832G>A (p.Gly611Asp), has been reported in the literature in association with Pompe disease and was curated by the ClinGen LSD VCEP as likely pathogenic (Bali DS et al., PMID: 22252923). Based on the available information and the ClinGen Lysosomal Storage Disorders Variant Curation Expert Panel (Goldstein JL et al., PMID: 37907381), this variant is classified as likely pathogenic.

Natera, Inc.
Classification: Likely pathogenic for Glycogen storage disease type II. Last evaluated: 2025-06-12. Review status: criteria provided, single submitter. Criteria: Natera Variant Classification Schema (03/2026). Collection method: clinical testing. Allele origin: germline. Not counted in ClinVar's aggregate classification.
Comment: The c.1831G>A variant in GAA is a missense variant predicted to cause substitution of glycine to serine at amino acid 611. This variant is rare in the general population with a frequency below the threshold expected for the associated phenotype(s). This variant has been observed in one or more individuals affected with the associated recessive disease, as either homozygous or compound heterozygous with a second variant (PMID: 34020684, 33250842). A different variant at the same position has been determined to be Pathogenic or Likely Pathogenic. Computational prediction algorithms indicate this variant is likely to affect gene or protein function. Given the available evidence, this variant is classified as Likely Pathogenic.

Revvity Omics, Revvity
Classification: Likely pathogenic. Last evaluated: 2024-08-29. Review status: criteria provided, single submitter. Criteria: ACMG Guidelines, 2015. Collection method: clinical testing. Allele origin: germline. Not counted in ClinVar's aggregate classification.

Greenwood Genetic Center Diagnostic Laboratories, Greenwood Genetic Center
Classification: Likely pathogenic for Glycogen storage disease, type II. Last evaluated: 2023-07-05. Review status: criteria provided, single submitter. Criteria: ACMG Guidelines, 2015. Collection method: clinical testing. Allele origin: germline. Affected: yes. Not counted in ClinVar's aggregate classification.
Comment: PS3_Supporting, PM2, PM3, PM5_Supporting, PP3

Literature cited by the submitters: PubMed 34020684 (cited by 3 submitters); PubMed 33073003 (cited by Genomenon, Inc and Ambry Genetics); PubMed 33250842 (cited by 4 submitters); PubMed 22252923 (cited by Labcorp Genetics (formerly Invitae), Labcorp); PubMed 24269976 (cited by Labcorp Genetics (formerly Invitae), Labcorp); PubMed 25681614 (cited by Labcorp Genetics (formerly Invitae), Labcorp).

NM_000152.5(GAA):c.1831G>A (p.Gly611Ser)

Gene: GAA (alpha glucosidase; plus strand). Cytogenetic location: 17q25.3.
Variant type: single nucleotide variant.
Coding change: c.1831G>A on transcript NM_000152.5 (MANE Select); coding-DNA position 1831, G replaced by A.
Protein change: p.Gly611Ser; replaces glycine 611 with serine.
Molecular consequence: missense variant.
Genome position (GRCh38, 1-based): chr17:80,112,654, G>A. VCF-style: chr17-80112654-G-A. GRCh37 (hg19) VCF-style: chr17-78086453-G-A.
Other names: NM_000152.5(GAA):c.1831G>A; p.Gly611Ser; c.1831G>A, p.Gly611Ser (NM_001079803.3, NM_001079804.3); c.1831G>A (NM_000152.4); short protein forms G611S.
Identifiers: ClinVar variation 935199 (VCV000935199.27), dbSNP rs1278340100, ClinGen allele CA401369553.